The following is an entry in ClinVar:

NM_002691.4(POLD1):c.2322G>C (p.Leu774=)

Gene: POLD1 (DNA polymerase delta 1, catalytic subunit; plus strand). Cytogenetic location: 19q13.33.
Variant type: single nucleotide variant.
Coding change: c.2322G>C on transcript NM_002691.4 (MANE Select); coding-DNA position 2322, G replaced by C.
Protein change: p.Leu774=; no amino-acid change (leucine 774 retained).
Molecular consequence: synonymous variant. On other transcripts: non-coding transcript variant (1).
Genome position (GRCh38, 1-based): chr19:50,413,813, G>C. VCF-style: chr19-50413813-G-C. GRCh37 (hg19) VCF-style: chr19-50917070-G-C.
Other names: c.2322G>C, p.Leu774= (NM_001256849.1); c.2400G>C, p.Leu800= (NM_001308632.1).
Identifiers: ClinVar variation 382450 (VCV000382450.38), dbSNP rs1014694704, ClinGen allele CA16608357.

ClinVar aggregate classification (germline): Likely benign. Review status: criteria provided, multiple submitters, no conflicts (2 of 4 stars). 4 submissions from 4 submitters: Likely benign (4). Last evaluated 2025-09-14.

Conditions:
POLD1-related polyposis and colorectal cancer syndrome (CRCS10). Also called: Colorectal cancer 10; Colorectal cancer, susceptibility to, 10; COLORECTAL CANCER, SUSCEPTIBILITY TO, ON CHROMOSOME 19q. Identifiers: Orphanet 220460, MedGen C2675481, MONDO:0012953, OMIM 612591.
Hereditary cancer-predisposing syndrome. Also called: Neoplastic Syndromes, Hereditary; Hereditary neoplastic syndrome; Tumor predisposition; Hereditary Cancer Syndrome. Identifiers: Orphanet 140162, MedGen C0027672, MeSH D009386, MONDO:0015356.

Allele frequency attached by ClinVar (database versions not stated): gnomAD exomes below 0.00001; TOPMed below 0.00001.
gnomAD v4.1: 2 of 1,612,512 alleles (0.00012%); highest among the groups gnomAD compares: Non-Finnish European, 0.00017%; no homozygotes.

Submissions (4):

Labcorp Genetics (formerly Invitae), Labcorp
Classification: Likely benign for POLD1-related polyposis and colorectal cancer syndrome. Last evaluated: 2025-09-14. Review status: criteria provided, single submitter. Criteria: Invitae Variant Classification Sherloc (09022015). Collection method: clinical testing. Allele origin: germline.

CeGaT Center for Human Genetics Tuebingen
Classification: Likely benign. Last evaluated: 2023-06-01. Review status: criteria provided, single submitter. Criteria: CeGaT Center For Human Genetics Tuebingen Variant Classification Criteria Version 2. Collection method: clinical testing. Allele origin: germline. Affected: yes. Observed: 1 variant allele.
Comment: POLD1: PM2:Supporting, BP4, BP7

GeneDx
Classification: Likely benign. Last evaluated: 2015-12-22. Review status: criteria provided, single submitter. Criteria: GeneDx Variant Classification (06012015). Collection method: clinical testing. Allele origin: germline. Affected: yes.
Comment: This variant is considered likely benign or benign based on one or more of the following criteria: it is a conservative change, it occurs at a poorly conserved position in the protein, it is predicted to be benign by multiple in silico algorithms, and/or has population frequency not consistent with disease.

Ambry Genetics
Classification: Likely benign for Hereditary cancer-predisposing syndrome. Last evaluated: 2015-07-08. Review status: criteria provided, single submitter. Criteria: Ambry Variant Classification Scheme 2023. Collection method: clinical testing. Allele origin: germline.